The following is an entry in ClinVar:

NM_015512.5(DNAH1):c.5988A>C (p.Ser1996=)

Gene: DNAH1 (dynein axonemal heavy chain 1; plus strand). Cytogenetic location: 3p21.1.
Variant type: single nucleotide variant.
Coding change: c.5988A>C on transcript NM_015512.5 (MANE Select); coding-DNA position 5988, A replaced by C.
Protein change: p.Ser1996=; no amino-acid change (serine 1996 retained).
Molecular consequence: synonymous variant.
Genome position (GRCh38, 1-based): chr3:52,369,869, A>C. VCF-style: chr3-52369869-A-C. GRCh37 (hg19) VCF-style: chr3-52403885-A-C.
Other names: p.Ser1996=.
Identifiers: ClinVar variation 478471 (VCV000478471.20), dbSNP rs61753436, ClinGen allele CA2434391.

ClinVar aggregate classification (germline): Benign. Review status: criteria provided, multiple submitters, no conflicts (2 of 4 stars). 4 submissions from 4 submitters: Benign (4). Last evaluated 2026-02-01.

Conditions:
Spermatogenic failure 18. Identifiers: MedGen C4539783, MONDO:0054615, OMIM 617576.
Ciliary dyskinesia, primary, 37 (CILD37). Also called: CILIARY DYSKINESIA, PRIMARY, 37, WITH OR WITHOUT SITUS INVERSUS. Identifiers: MedGen C4539798, MONDO:0033204, OMIM 617577.

Allele frequency attached by ClinVar (database versions not stated): gnomAD exomes 0.00343; ExAC 0.00416; ESP Exome Variant Server 0.01109; gnomAD 0.01286 and 0.01351; TOPMed 0.01471; 1000 Genomes Project 0.01977; 1000 Genomes Project 30x 0.02030.
gnomAD v4.1: 4,021 of 1,613,024 alleles (0.25%); highest among the groups gnomAD compares: African/African-American, 4.5%; 85 homozygotes.

Submissions (4):

Labcorp Genetics (formerly Invitae), Labcorp
Classification: Benign for Ciliary dyskinesia, primary, 37; Spermatogenic failure 18. Last evaluated: 2026-02-01. Review status: criteria provided, single submitter. Criteria: Invitae Variant Classification Sherloc (09022015). Collection method: clinical testing. Allele origin: germline.

ARUP Laboratories, Molecular Genetics and Genomics, ARUP Laboratories
Classification: Benign. Last evaluated: 2025-01-30. Review status: criteria provided, single submitter. Criteria: ARUP Molecular Germline Variant Investigation Process 2024. Collection method: clinical testing. Allele origin: germline.

Mayo Clinic Laboratories, Mayo Clinic
Classification: Benign. Last evaluated: 2024-12-20. Review status: criteria provided, single submitter. Criteria: ACMG Guidelines, 2015. Collection method: clinical testing. Allele origin: germline. Observed: 2 variant alleles.
Comment: BA1, BP4, BP7

Breakthrough Genomics
Classification: Benign. Review status: criteria provided, single submitter. Criteria: ACMG Guidelines, 2015. Collection method: not provided. Allele origin: germline. Inheritance: Autosomal recessive inheritance. Affected: yes.